The following is an entry in ClinVar:

NM_000038.6(APC):c.1630del (p.Ile544fs)

Gene: APC (APC regulator of Wnt signaling pathway; plus strand). Cytogenetic location: 5q22.2.
Variant type: Deletion.
Coding change: c.1630del on transcript NM_000038.6 (MANE Select); coding-DNA position 1630, one base deleted (A; older notation c.1630delA).
Protein change: p.Ile544fs; shifts the reading frame from isoleucine 544.
Molecular consequence: frameshift variant.
Genome position (GRCh38, 1-based): chr5:112,828,859, A deleted. VCF-style (leftmost placement, unchanged base first): chr5-112828858-TA-T. GRCh37 (hg19) VCF-style: chr5-112164555-TA-T.
Other names: c.1630del, p.Ile544fs (NM_001127510.3, NM_001354895.2, NM_001407450.1); c.1576del, p.Ile526fs (NM_001127511.3); c.1684del, p.Ile562fs (NM_001354896.2, NM_001407447.1, NM_001407448.1 and 1 more transcripts); c.1660del, p.Ile554fs (NM_001354897.2); c.1555del, p.Ile519fs (NM_001354898.2); c.1546del, p.Ile516fs (NM_001354899.2); c.1507del, p.Ile503fs (NM_001354900.2); c.1453del, p.Ile485fs (NM_001354901.2, NM_001407453.1); and 11 more; short protein forms I160fs, I261fs, I384fs, I415fs, I418fs, I443fs, I453fs, I461fs.
Identifiers: ClinVar variation 2583927 (VCV002583927.1), dbSNP rs2533240491, ClinGen allele CA1139770775.

ClinVar aggregate classification (germline): Pathogenic (1 of 4 stars; one submission).

Conditions:
Familial adenomatous polyposis 1 (FAP1). Also called: FAMILIAL ADENOMATOUS POLYPOSIS 1, ATTENUATED; POLYPOSIS, ADENOMATOUS INTESTINAL. Identifiers: MedGen C2713442, MONDO:0021056, OMIM 175100. Disease mechanism: loss of function.

Submission:

Myriad Genetics, Inc.
Classification: Pathogenic for Familial adenomatous polyposis 1. Last evaluated: 2023-05-02. Review status: criteria provided, single submitter. Criteria: Myriad Autosomal Dominant, Autosomal Recessive and X-Linked Classification Criteria (2023). Collection method: clinical testing. Allele origin: unknown.
Comment: This variant is considered pathogenic. This variant creates a frameshift predicted to result in premature protein truncation.